The following is an entry in ClinVar:

NM_001379500.1(COL18A1):c.3274C>T (p.Pro1092Ser)

Genes: COL18A1 (collagen type XVIII alpha 1 chain; plus strand), SLC19A1 (solute carrier family 19 member 1; minus strand). Cytogenetic location: 21q22.3.
Variant type: single nucleotide variant.
Coding change: c.3274C>T on transcript NM_001379500.1 (MANE Select); coding-DNA position 3274, C replaced by T.
Protein change: p.Pro1092Ser; replaces proline 1092 with serine.
Molecular consequence: missense variant.
Genome position (GRCh38, 1-based): chr21:45,509,380, C>T. VCF-style: chr21-45509380-C-T. GRCh37 (hg19) VCF-style: chr21-46929294-C-T.
Other names: c.3805C>T, p.Pro1269Ser (NM_030582.4); c.4510C>T, p.Pro1504Ser (NM_130444.3); short protein forms P1092S, P1269S, P1504S.
Identifiers: ClinVar variation 2193119 (VCV002193119.2), dbSNP rs76086392, ClinGen allele CA410500580.

ClinVar aggregate classification (germline): Uncertain significance (1 of 4 stars; one submission).

Allele frequency attached by ClinVar (database versions not stated): TOPMed 0.00001; gnomAD 0.00002.

Submission:

Labcorp Genetics (formerly Invitae), Labcorp
Classification: Uncertain significance. Last evaluated: 2022-03-10. Review status: criteria provided, single submitter. Criteria: Invitae Variant Classification Sherloc (09022015). Collection method: clinical testing. Allele origin: germline.
Comment: In summary, the available evidence is currently insufficient to determine the role of this variant in disease. Therefore, it has been classified as a Variant of Uncertain Significance. Experimental studies and prediction algorithms are not available or were not evaluated, and the functional significance of this variant is currently unknown. This variant has not been reported in the literature in individuals affected with COL18A1-related conditions. This variant is not present in population databases (gnomAD no frequency). This sequence change replaces proline, which is neutral and non-polar, with serine, which is neutral and polar, at codon 1089 of the COL18A1 protein (p.Pro1089Ser).